The following is an entry in ClinVar:

NM_031263.4(HNRNPK):c.661C>T (p.Arg221Cys)

Genes: HNRNPK (heterogeneous nuclear ribonucleoprotein K; minus strand), HNRNPK-AS1 (HNRNPK antisense RNA 1; plus strand). Cytogenetic location: 9q21.32.
Variant type: single nucleotide variant.
Coding change: c.661C>T on transcript NM_031263.4 (MANE Select); coding-DNA position 661, C replaced by T.
Protein change: p.Arg221Cys; replaces arginine 221 with cysteine.
Molecular consequence: missense variant. On other transcripts: non-coding transcript variant (1).
Genome position (GRCh38, 1-based): chr9:83,972,174, G>A on the plus strand (C>T on the coding strand, the complement: HNRNPK is on the minus strand). VCF-style: chr9-83972174-G-A. GRCh37 (hg19) VCF-style: chr9-86587089-G-A.
Other names: c.589C>T, p.Arg197Cys (NM_001318186.2, NM_001318187.2); c.661C>T, p.Arg221Cys (NM_001318188.2, NM_002140.5, NM_031262.4); short protein forms R197C, R221C.
Identifiers: ClinVar variation 4879275 (VCV004879275.1).

ClinVar aggregate classification (germline): Uncertain significance (1 of 4 stars; one submission).

Conditions:
Au-Kline syndrome. Also called: Okamoto syndrome; Neurodevelopmental disorder-craniofacial dysmorphism-cardiac defect-hip dysplasia syndrome due to a point mutation. Identifiers: Orphanet 2729, Orphanet 453499, Orphanet 453504, MedGen C4225274, MONDO:0014700, OMIM 616580.

gnomAD v4.1: 2 of 1,599,696 alleles (0.00013%); highest among the groups gnomAD compares: South Asian, 0.0011%; no homozygotes.

Submission:

Clinical Genomics Laboratory, Washington University in St. Louis
Classification: Uncertain significance for Au-Kline syndrome. Last evaluated: 2026-04-06. Review status: criteria provided, single submitter. Criteria: ACMG Guidelines, 2015. Collection method: clinical testing. Allele origin: germline.
Comment: The HNRNPK c.661C>T (p.Arg221Cys) variant, to our knowledge, has not been reported in the medical literature. This variant is only observed on 2/239,466 alleles in the general population (gnomAD v2.1.1), indicating it is not a common variant. Computational predictors are uncertain as to the impact of this variant on HNRNPK function. Due to limited information, and based on ACMG/AMP guidelines for variant interpretation (Richards S et al., PMID: 25741868), the clinical significance of this variant is uncertain at this time.